The following is an entry in ClinVar:

ClinVar aggregate classification (germline): Pathogenic (1 of 4 stars; one submission).

Conditions:
Duchenne muscular dystrophy (DMD). Also called: MUSCULAR DYSTROPHY, PSEUDOHYPERTROPHIC PROGRESSIVE, DUCHENNE TYPE; Duchenne Muscular Dystrophy (DMD). Identifiers: Orphanet 98896, MedGen C0013264, MONDO:0010679, OMIM 310200.

Submission:

Labcorp Genetics (formerly Invitae), Labcorp
Classification: Pathogenic for Duchenne muscular dystrophy. Last evaluated: 2022-08-23. Review status: criteria provided, single submitter. Criteria: Invitae Variant Classification Sherloc (09022015). Collection method: clinical testing. Allele origin: germline.
Comment: This sequence change creates a premature translational stop signal (p.Lys2142*) in the DMD gene. It is expected to result in an absent or disrupted protein product. Loss-of-function variants in DMD are known to be pathogenic (PMID: 16770791, 25007885). This variant is not present in population databases (gnomAD no frequency). This variant has not been reported in the literature in individuals affected with DMD-related conditions. ClinVar contains an entry for this variant (Variation ID: 455919). For these reasons, this variant has been classified as Pathogenic.

Literature cited by the submitters: PubMed 16770791; PubMed 25007885.

NM_004006.3(DMD):c.6424A>T (p.Lys2142Ter)

Gene: DMD (dystrophin; minus strand). Cytogenetic location: Xp21.1.
Variant type: single nucleotide variant.
Coding change: c.6424A>T on transcript NM_004006.3 (MANE Select); coding-DNA position 6424, A replaced by T.
Protein change: p.Lys2142Ter; replaces lysine 2142 with a stop codon.
Molecular consequence: nonsense.
Genome position (GRCh38, 1-based): chrX:32,216,930, T>A on the plus strand (A>T on the coding strand, the complement: DMD is on the minus strand). VCF-style: chrX-32216930-T-A. GRCh37 (hg19) VCF-style: chrX-32235047-T-A.
Other names: c.6400A>T, p.Lys2134Ter (NM_000109.4); c.6412A>T, p.Lys2138Ter (NM_004009.3); c.6055A>T, p.Lys2019Ter (NM_004010.3); c.2401A>T, p.Lys801Ter (NM_004011.4); c.2392A>T, p.Lys798Ter (NM_004012.4); short protein forms K2142*, K801*, K2134*, K2138*, K798*, K2019*.
Identifiers: ClinVar variation 455919 (VCV000455919.7), dbSNP rs1557218076, ClinGen allele CA412660494.